The following is an entry in ClinVar:

NM_080424.4(SP110):c.1226T>G (p.Met409Arg)

Gene: SP110 (SP110 nuclear body protein; minus strand). Cytogenetic location: 2q37.1.
Variant type: single nucleotide variant.
Coding change: c.1226T>G on transcript NM_080424.4 (MANE Select); coding-DNA position 1226, T replaced by G.
Protein change: p.Met409Arg; replaces methionine 409 with arginine.
Molecular consequence: missense variant.
Genome position (GRCh38, 1-based): chr2:230,186,047, A>C on the plus strand (T>G on the coding strand, the complement: SP110 is on the minus strand). VCF-style: chr2-230186047-A-C. GRCh37 (hg19) VCF-style: chr2-231050763-A-C.
Other names: c.1226T>G, p.Met409Arg (NM_004509.5, NM_004510.4, NM_001378443.1); c.1244T>G, p.Met415Arg (NM_001378446.1, NM_001378442.1, NM_001378444.1 and 2 more transcripts); c.1076T>G, p.Met359Arg (NM_001378447.1); short protein forms M415R, M409R, M359R.
Identifiers: ClinVar variation 844218 (VCV000844218.9), dbSNP rs369778669, ClinGen allele CA350907302.

ClinVar aggregate classification (germline): Uncertain significance (1 of 4 stars; one submission).

Conditions:
Hepatic veno-occlusive disease-immunodeficiency syndrome. Also called: Hepatic Veno-Occlusive Disease with Immunodeficiency. Identifiers: Orphanet 79124, MedGen C1856128, MONDO:0009338, OMIM 235550. Disease mechanism: loss of function.

Submission:

Labcorp Genetics (formerly Invitae), Labcorp
Classification: Uncertain significance for Hepatic veno-occlusive disease-immunodeficiency syndrome. Last evaluated: 2019-05-06. Review status: criteria provided, single submitter. Criteria: Invitae Variant Classification Sherloc (09022015). Collection method: clinical testing. Allele origin: germline.
Comment: This sequence change replaces methionine with arginine at codon 409 of the SP110 protein (p.Met409Arg). The methionine residue is weakly conserved and there is a moderate physicochemical difference between methionine and arginine. This variant is not present in population databases (ExAC no frequency). This variant has not been reported in the literature in individuals with SP110-related conditions. Algorithms developed to predict the effect of missense changes on protein structure and function are either unavailable or do not agree on the potential impact of this missense change (SIFT: "Deleterious"; PolyPhen-2: "Possibly Damaging"; Align-GVGD: "Class C0"). Algorithms developed to predict the effect of sequence changes on RNA splicing suggest that this variant may create or strengthen a splice site, but this prediction has not been confirmed by published transcriptional studies. In summary, the available evidence is currently insufficient to determine the role of this variant in disease. Therefore, it has been classified as a Variant of Uncertain Significance.